The following is an entry in ClinVar:

ClinVar aggregate classification (germline): Likely benign (0 of 4 stars; one submission).

Conditions:
ASH1L-related disorder. Also called: ASH1L-related condition.

Allele frequency attached by ClinVar (database versions not stated): ESP Exome Variant Server 0.00008; ExAC 0.00012; gnomAD exomes 0.00013; 1000 Genomes Project 30x 0.00016; 1000 Genomes Project 0.00020; TOPMed 0.00043.
gnomAD v4.1: 235 of 1,614,036 alleles (0.015%); highest among the groups gnomAD compares: Admixed American, 0.048%; no homozygotes.

Submission:

PreventionGenetics, part of Exact Sciences
Classification: Likely benign for ASH1L-related condition. Last evaluated: 2021-04-19. Review status: no assertion criteria provided. Collection method: clinical testing. Allele origin: germline.
Comment: This variant is classified as likely benign based on ACMG/AMP sequence variant interpretation guidelines (Richards et al. 2015 PMID: 25741868, with internal and published modifications).

NM_018489.3(ASH1L):c.3987A>G (p.Thr1329=)

Gene: ASH1L (ASH1 like histone lysine methyltransferase; minus strand). Cytogenetic location: 1q22.
Variant type: single nucleotide variant.
Coding change: c.3987A>G on transcript NM_018489.3 (MANE Select); coding-DNA position 3987, A replaced by G.
Protein change: p.Thr1329=; no amino-acid change (threonine 1329 retained).
Molecular consequence: synonymous variant.
Genome position (GRCh38, 1-based): chr1:155,478,883, T>C on the plus strand (A>G on the coding strand, the complement: ASH1L is on the minus strand). VCF-style: chr1-155478883-T-C. GRCh37 (hg19) VCF-style: chr1-155448674-T-C.
Other names: c.3987A>G, p.Thr1329= (NM_001366177.2).
Identifiers: ClinVar variation 3047141 (VCV003047141.2), dbSNP rs374652065, ClinGen allele CA1147000.